The following is an entry in ClinVar:

ClinVar aggregate classification (germline): Likely pathogenic. Review status: criteria provided, multiple submitters, no conflicts (2 of 4 stars). 4 submissions from 4 submitters: Likely pathogenic (4). Last evaluated 2025-10-10.

Conditions:
Autosomal recessive nonsyndromic hearing loss 77. Identifiers: Orphanet 90636, MedGen C2746083, MONDO:0013119, OMIM 613079.

gnomAD v4.1: 1 of 1,552,152 alleles (0.000064%); highest among the groups gnomAD compares: Non-Finnish European, 0.000087%; no homozygotes.

Submissions (4):

3billion
Classification: Likely pathogenic for Autosomal recessive nonsyndromic hearing loss 77. Last evaluated: 2025-10-10. Review status: criteria provided, single submitter. Criteria: ACMG Guidelines, 2015. Collection method: clinical testing. Allele origin: germline. Affected: yes.
Comment: The variant is observed at an extremely low frequency in the gnomAD v4.1.0 dataset (total allele frequency: <0.001%). Predicted Consequence/Location: Missense variant. The majority of the known disease-causing variants of this gene are variants expected to result in premature termination of the protein. In silico tool predictions suggest damaging effect of the variant on gene or gene product [REVEL: 0.73 (>=0.6, sensitivity 0.68 and specificity 0.92)]. The same nucleotide change resulting in the same amino acid change has been previously reported as pathogenic/likely pathogenic with strong evidence (ClinVar ID: VCV003382632 /PMID: 32645618). The variant has been reported to be in trans with a pathogenic variant as either compound heterozygous or homozygous in at least one similarly affected unrelated individual (PMID: 35711932). Therefore, this variant is classified as Likely pathogenic according to the recommendation of ACMG/AMP guideline.

Fulgent Genetics
Classification: Likely pathogenic for Autosomal recessive nonsyndromic hearing loss 77. Last evaluated: 2024-04-17. Review status: criteria provided, single submitter. Criteria: ACMG Guidelines, 2015. Collection method: clinical testing. Allele origin: germline.

Labcorp Genetics (formerly Invitae), Labcorp
Classification: Likely pathogenic. Last evaluated: 2024-02-28. Review status: criteria provided, single submitter. Criteria: Invitae Variant Classification Sherloc (09022015). Collection method: clinical testing. Allele origin: germline.
Comment: This sequence change replaces arginine, which is basic and polar, with tryptophan, which is neutral and slightly polar, at codon 1090 of the LOXHD1 protein (p.Arg1090Trp). This variant is not present in population databases (gnomAD no frequency). This missense change has been observed in individual(s) with deafness (PMID: 32645618, 35711932). In at least one individual the data is consistent with being in trans (on the opposite chromosome) from a pathogenic variant. It has also been observed to segregate with disease in related individuals. An algorithm developed to predict the effect of missense changes on protein structure and function (PolyPhen-2) suggests that this variant is likely to be disruptive. In summary, the currently available evidence indicates that the variant is pathogenic, but additional data are needed to prove that conclusively. Therefore, this variant has been classified as Likely Pathogenic.

Juno Genomics, Hangzhou Juno Genomics, Inc
Classification: Likely pathogenic for Autosomal recessive nonsyndromic hearing loss 77. Review status: criteria provided, single submitter. Criteria: ACMG Guidelines, 2015. Collection method: clinical testing. Allele origin: germline. Affected: yes.
Comment: Absent from controls (or at extremely low frequency if recessive) in Genome Aggregation Database, Exome Sequencing Project, 1000 Genomes Project, or Exome Aggregation Consortium.;Multiple lines of computational evidence support a deleterious effect on the gene or gene product (conservation, evolutionary, splicing impact, etc).;For recessive disorders, detected in trans with a pathogenic variant.

Literature cited by the submitters: PubMed 32645618 (cited by 3billion and Labcorp Genetics (formerly Invitae), Labcorp); PubMed 35711932 (cited by 3billion and Labcorp Genetics (formerly Invitae), Labcorp).

NM_001384474.1(LOXHD1):c.3268C>T (p.Arg1090Trp)

Gene: LOXHD1 (lipoxygenase homology PLAT domains 1; minus strand). Cytogenetic location: 18q21.1.
Variant type: single nucleotide variant.
Coding change: c.3268C>T on transcript NM_001384474.1 (MANE Select); coding-DNA position 3268, C replaced by T.
Protein change: p.Arg1090Trp; replaces arginine 1090 with tryptophan.
Molecular consequence: missense variant. On other transcripts: 5 prime UTR variant (1).
Genome position (GRCh38, 1-based): chr18:46,557,438, G>A on the plus strand (C>T on the coding strand, the complement: LOXHD1 is on the minus strand). VCF-style: chr18-46557438-G-A. GRCh37 (hg19) VCF-style: chr18-44137401-G-A.
Other names: c.3268C>T (NM_144612.6); c.-66C>T (NM_001145472.3); c.3268C>T, p.Arg1090Trp (NM_144612.7); short protein forms R1090W.
Identifiers: ClinVar variation 3382632 (VCV003382632.6).